The following is an entry in ClinVar:

ClinVar aggregate classification (germline): Pathogenic (1 of 4 stars; one submission).

Conditions:
Catecholaminergic polymorphic ventricular tachycardia 1. Also called: VENTRICULAR TACHYCARDIA, CATECHOLAMINERGIC POLYMORPHIC, 1, WITH OR WITHOUT ATRIAL DYSFUNCTION AND/OR DILATED CARDIOMYOPATHY; RYR2-Related Catecholaminergic Polymorphic Ventricular Tachycardia; VENTRICULAR TACHYCARDIA, STRESS-INDUCED POLYMORPHIC 1. Identifiers: Orphanet 3286, MedGen C1631597, MONDO:0011484, OMIM 604772.

Submission:

Labcorp Genetics (formerly Invitae), Labcorp
Classification: Pathogenic for Catecholaminergic polymorphic ventricular tachycardia 1. Last evaluated: 2024-02-03. Review status: criteria provided, single submitter. Criteria: Invitae Variant Classification Sherloc (09022015). Collection method: clinical testing. Allele origin: germline.
Comment: This sequence change creates a premature translational stop signal (p.Thr198Profs*12) in the CASQ2 gene. It is expected to result in an absent or disrupted protein product. Loss-of-function variants in CASQ2 are known to be pathogenic (PMID: 12386154). This variant is not present in population databases (gnomAD no frequency). This variant has not been reported in the literature in individuals affected with CASQ2-related conditions. For these reasons, this variant has been classified as Pathogenic.

Literature cited by the submitters: PubMed 12386154.

NM_001232.4(CASQ2):c.591del (p.Thr198fs)

Gene: CASQ2 (calsequestrin 2; minus strand). Cytogenetic location: 1p13.1.
Variant type: Deletion.
Coding change: c.591del on transcript NM_001232.4 (MANE Select); coding-DNA position 591, one base deleted (C; older notation c.591delC).
Protein change: p.Thr198fs; shifts the reading frame from threonine 198.
Molecular consequence: frameshift variant.
Genome position (GRCh38, 1-based): chr1:115,732,916, G deleted on the plus strand (C on the coding strand, the reverse complement: CASQ2 is on the minus strand); the first of 2 consecutive G bases (chr1:115,732,916-115,732,917); deleting either gives the same sequence. VCF-style (leftmost placement, unchanged base first): chr1-115732915-TG-T. GRCh37 (hg19) VCF-style: chr1-116275536-TG-T.
Other names: short protein forms T198fs.
Identifiers: ClinVar variation 3638681 (VCV003638681.2).